The following is an entry in ClinVar:

ClinVar aggregate classification (germline): Likely benign (0 of 4 stars; one submission).

Conditions:
CYFIP1-related disorder. Also called: CYFIP1-related condition.

Allele frequency attached by ClinVar (database versions not stated): TOPMed 0.00007; gnomAD 0.00028; gnomAD exomes 0.00055; ExAC 0.00119; 1000 Genomes Project 0.00140; 1000 Genomes Project 30x 0.00187.
gnomAD v4.1: 843 of 1,591,666 alleles (0.053%); highest among the groups gnomAD compares: South Asian, 0.77%; 12 homozygotes.

Submission:

PreventionGenetics, part of Exact Sciences
Classification: Likely benign for CYFIP1-related condition. Last evaluated: 2021-01-20. Review status: no assertion criteria provided. Collection method: clinical testing. Allele origin: germline.
Comment: This variant is classified as likely benign based on ACMG/AMP sequence variant interpretation guidelines (Richards et al. 2015 PMID: 25741868, with internal and published modifications).

NM_014608.6(CYFIP1):c.3210+6G>A

Gene: CYFIP1 (cytoplasmic FMR1 interacting protein 1; minus strand). Cytogenetic location: 15q11.2.
Variant type: single nucleotide variant.
Coding change: c.3210+6G>A on transcript NM_014608.6 (MANE Select); 6 bases into the intron after coding-DNA position 3210, G replaced by A.
Molecular consequence: intron variant.
Genome position (GRCh38, 1-based): chr15:22,874,544, C>T on the plus strand (G>A on the coding strand, the complement: CYFIP1 is on the minus strand). VCF-style: chr15-22874544-C-T. GRCh37 (hg19) VCF-style: chr15-22998524-G-A.
Other names: c.3312+6G>A (NM_001324119.2); c.3210+6G>A (NM_001324120.2, NM_001324123.3, NM_001287810.4); c.2844+6G>A (NM_001324125.3); c.3120+6G>A (NM_001324124.3); c.3108+6G>A (NM_001324126.3); c.1530+6G>A (NM_001324122.3); c.1917+6G>A (NM_001033028.3).
Identifiers: ClinVar variation 3047926 (VCV003047926.2), dbSNP rs534254052, ClinGen allele CA7425425.